The following is an entry in ClinVar:

NM_000108.5(DLD):c.1318A>T (p.Lys440Ter)

Gene: DLD (dihydrolipoamide dehydrogenase; plus strand). Cytogenetic location: 7q31.1.
Variant type: single nucleotide variant.
Coding change: c.1318A>T on transcript NM_000108.5 (MANE Select); coding-DNA position 1318, A replaced by T.
Protein change: p.Lys440Ter; replaces lysine 440 with a stop codon.
Molecular consequence: nonsense.
Genome position (GRCh38, 1-based): chr7:107,918,005, A>T. VCF-style: chr7-107918005-A-T. GRCh37 (hg19) VCF-style: chr7-107558450-A-T.
Other names: c.1021A>T, p.Lys341Ter (NM_001289750.1); c.1249A>T, p.Lys417Ter (NM_001289751.1); c.1174A>T, p.Lys392Ter (NM_001289752.1); short protein forms K341*, K392*, K417*, K440*.
Identifiers: ClinVar variation 1725852 (VCV001725852.2), dbSNP rs2535603950, ClinGen allele CA368859070.

ClinVar aggregate classification (germline): Likely pathogenic (1 of 4 stars; one submission).

Conditions:
Pyruvate dehydrogenase E3 deficiency (DLDD). Also called: Dihydrolipoamide Dehydrogenase (E3) Deficiency; Lipoamide dehydrogenase deficiency, lactic acidosis due to; Lipoamide dehydrogenase deficiency; DLD DEFICIENCY; E3 DEFICIENCY; Dihydrolipoamide Dehydrogenase Deficiency. Identifiers: Orphanet 2394, Orphanet 765, MedGen C5574660, MONDO:0009529, OMIM 246900.

Submission:

Myriad Genetics, Inc.
Classification: Likely pathogenic for Pyruvate dehydrogenase E3 deficiency. Last evaluated: 2022-04-04. Review status: criteria provided, single submitter. Criteria: Myriad Women's Health Autosomal Recessive and X-Linked Classification Criteria (2021). Collection method: clinical testing. Allele origin: unknown.
Comment: NM_000108.3(DLD):c.1318A>T(K440*) is expected to be pathogenic in the context of dihydrolipoamide dehydrogenase deficiency. This variant is predicted to lead to an abnormal or absent protein product due to the creation of a premature termination codon in DLD, a gene where loss-of-function variants are known to be pathogenic. Please note: this variant was assessed in the context of healthy population screening.